The following is an entry in ClinVar:

ClinVar aggregate classification (germline): Likely benign. Review status: criteria provided, multiple submitters, no conflicts (2 of 4 stars). 4 submissions from 4 submitters: Likely benign (3). 1 of the submissions does not count toward it. Last evaluated 2025-05-05.

Conditions:
GP1BB-related disorder. Also called: GP1BB-related condition.

Allele frequency attached by ClinVar (database versions not stated): ExAC below 0.00001; gnomAD exomes 0.00003 and 0.00005; gnomAD 0.00024 and 0.00031; TOPMed 0.00030; 1000 Genomes Project 0.00100; 1000 Genomes Project 30x 0.00156.
gnomAD v4.1: 128 of 1,518,506 alleles (0.0084%); highest among the groups gnomAD compares: African/African-American, 0.13%; no homozygotes.

Submissions (4):

Women's Health and Genetics/Laboratory Corporation of America, LabCorp
Classification: Likely benign. Last evaluated: 2025-05-05. Review status: criteria provided, single submitter. Criteria: LabCorp Variant Classification Summary - May 2015. Collection method: clinical testing. Allele origin: germline.

Blueprint Genetics
Classification: Likely benign. Last evaluated: 2022-07-28. Review status: criteria provided, single submitter. Criteria: ACMG Guidelines, 2015. Collection method: clinical testing. Allele origin: germline.

Labcorp Genetics (formerly Invitae), Labcorp
Classification: Likely benign. Last evaluated: 2019-12-31. Review status: criteria provided, single submitter. Criteria: Invitae Variant Classification Sherloc (09022015). Collection method: clinical testing. Allele origin: germline.

PreventionGenetics, part of Exact Sciences
Classification: Likely benign for GP1BB-related condition. Last evaluated: 2019-07-30. Review status: no assertion criteria provided. Collection method: clinical testing. Allele origin: germline. Not counted in ClinVar's aggregate classification.
Comment: This variant is classified as likely benign based on ACMG/AMP sequence variant interpretation guidelines (Richards et al. 2015 PMID: 25741868, with internal and published modifications).

NM_000407.5(GP1BB):c.102G>A (p.Gly34=)

Genes: GP1BB (glycoprotein Ib platelet subunit beta; plus strand), SEPT5-GP1BB (SEPT5-GP1BB readthrough; plus strand). Cytogenetic location: 22q11.21.
Variant type: single nucleotide variant.
Coding change: c.102G>A on transcript NM_000407.5 (MANE Select); coding-DNA position 102, G replaced by A.
Protein change: p.Gly34=; no amino-acid change (glycine 34 retained).
Molecular consequence: synonymous variant. On other transcripts: non-coding transcript variant (2).
Genome position (GRCh38, 1-based): chr22:19,723,945, G>A. VCF-style: chr22-19723945-G-A. GRCh37 (hg19) VCF-style: chr22-19711468-G-A.
Identifiers: ClinVar variation 728381 (VCV000728381.8), dbSNP rs574497337, ClinGen allele CA10102313.